The following is an entry in ClinVar:

ClinVar aggregate classification (germline): Benign. Review status: criteria provided, single submitter (1 of 4 stars). 2 submissions from 2 submitters: Benign (1). 1 of the submissions does not count toward it. Last evaluated 2019-12-31.

Conditions:
ATAD5-related disorder. Also called: ATAD5-related condition.

Submissions (3):

Labcorp Genetics (formerly Invitae), Labcorp
Classification: Benign. Last evaluated: 2019-12-31. Review status: criteria provided, single submitter. Criteria: Invitae Variant Classification Sherloc (09022015). Collection method: clinical testing. Allele origin: germline.

PreventionGenetics, part of Exact Sciences
Classification: Benign for ATAD5-related condition. Last evaluated: 2019-06-20. Review status: no assertion criteria provided. Collection method: clinical testing. Allele origin: germline. Not counted in ClinVar's aggregate classification.
Comment: This variant is classified as benign based on ACMG/AMP sequence variant interpretation guidelines (Richards et al. 2015 PMID: 25741868, with internal and published modifications).

Dr. Peter K. Rogan Lab, Western University
No classification provided (evidence only). Condition: Lymphoma. Review status: no classification provided. Collection method: in vitro. Allele origin: not applicable. Functional consequence: skipped exon. Not counted in ClinVar's aggregate classification.

NM_024857.5(ATAD5):c.4013-7_4013-6insAT

Gene: ATAD5 (ATPase family AAA domain containing 5; plus strand). Cytogenetic location: 17q11.2.
Variant type: Insertion.
Coding change: c.4013-7_4013-6insAT on transcript NM_024857.5 (MANE Select); 7 bases into the intron before coding-DNA position 4013 through 6 bases into the intron before coding-DNA position 4013, AT inserted.
Molecular consequence: intron variant.
Genome position: GRCh38 VCF-style: chr17-30879415-G-GTA. GRCh37 (hg19) VCF-style: chr17-29206433-G-GTA.
Other names: NC_000017.10:g.29206434_29206435insAT.
Identifiers: ClinVar variation 778529 (VCV000778529.7), dbSNP rs1555559948, ClinGen allele CA8484211.
Genomic context (GRCh38, chr17:30,879,415, plus strand): 5'-TTGAAAAAGTTATTTATTGGTCTTAGTGTTTAAGAATTTTTTTTTTTTGTGTGTGTGTGT[G>GTA]TGTGTAGACCCAACATTTAGTTTAATGTTTGATGGCTGCTTTGAAGAAATCAAGTTCAGT-3'